The following is an entry in ClinVar:

NM_023067.4(FOXL2):c.415G>T (p.Glu139Ter)

Gene: FOXL2 (forkhead box L2; minus strand). Cytogenetic location: 3q22.3.
Variant type: single nucleotide variant.
Coding change: c.415G>T on transcript NM_023067.4 (MANE Select); coding-DNA position 415, G replaced by T.
Protein change: p.Glu139Ter; replaces glutamic acid 139 with a stop codon.
Molecular consequence: nonsense.
Genome position (GRCh38, 1-based): chr3:138,946,308, C>A on the plus strand (G>T on the coding strand, the complement: FOXL2 is on the minus strand). VCF-style: chr3-138946308-C-A. GRCh37 (hg19) VCF-style: chr3-138665150-C-A.
Other names: short protein forms E139*.
Identifiers: ClinVar variation 2662631 (VCV002662631.1), dbSNP rs2107744454, ClinGen allele CA354706310.
Genomic context (GRCh38, chr3:138,946,308, plus strand): 5'-GCGCGGGCGGCGGCCGGAAGGGCCTCTTCATGCGGCGGCGGCGCCGGTAGTTGCCCTTCT[C>A]GAACATGTCTTCGCAGGCCGGGTCCAGCGTCCAGTAGTTGCCCTTGCGCTCGCCGCCGCC-3'

ClinVar aggregate classification (germline): Pathogenic (1 of 4 stars; one submission).

Submission:

GeneDx
Classification: Pathogenic. Last evaluated: 2023-04-19. Review status: criteria provided, single submitter. Criteria: GeneDx Variant Classification Process June 2021. Collection method: clinical testing. Allele origin: germline. Affected: yes.
Comment: Published functional studies demonstrate damaging effects including different protein localization patterns compared to wildtype and abnormal transcriptional activity from the promotors (Li F et al., 2021); Nonsense variant predicted to result in protein truncation, as the last 238 amino acids are lost, and other loss-of-function variants have been reported downstream in HGMD; Not observed at significant frequency in large population cohorts (gnomAD); This variant is associated with the following publications: (PMID: 12938087, 33796131)